The following is an entry in ClinVar:

ClinVar aggregate classification (germline): Uncertain significance (1 of 4 stars; one submission).

Conditions:
Cardiovascular phenotype. Identifiers: MedGen CN230736.

Submission:

Ambry Genetics
Classification: Uncertain significance for Cardiovascular phenotype. Last evaluated: 2021-06-23. Review status: criteria provided, single submitter. Criteria: Ambry Variant Classification Scheme 2023. Collection method: clinical testing. Allele origin: germline.
Comment: The p.G813E variant (also known as c.2438G>A), located in coding exon 8 of the HCN4 gene, results from a G to A substitution at nucleotide position 2438. The glycine at codon 813 is replaced by glutamic acid, an amino acid with similar properties. This amino acid position is conserved. In addition, this alteration is predicted to be tolerated by in silico analysis. Since supporting evidence is limited at this time, the clinical significance of this alteration remains unclear.

NM_005477.3(HCN4):c.2438G>A (p.Gly813Glu)

Gene: HCN4 (hyperpolarization activated cyclic nucleotide gated potassium channel 4; minus strand). Cytogenetic location: 15q24.1.
Variant type: single nucleotide variant.
Coding change: c.2438G>A on transcript NM_005477.3 (MANE Select); coding-DNA position 2438, G replaced by A.
Protein change: p.Gly813Glu; replaces glycine 813 with glutamic acid.
Molecular consequence: missense variant.
Genome position (GRCh38, 1-based): chr15:73,323,655, C>T on the plus strand (G>A on the coding strand, the complement: HCN4 is on the minus strand). VCF-style: chr15-73323655-C-T. GRCh37 (hg19) VCF-style: chr15-73615996-C-T.
Other names: short protein forms G813E.
Identifiers: ClinVar variation 1791257 (VCV001791257.2), dbSNP rs2549069012, ClinGen allele CA393088894.
Genomic context (GRCh38, chr15:73,323,655, plus strand): 5'-ATCAGGGACTGCAGCCGTTTCAGGTGCCTTGGCGTCTGCCCGGCACCGAGGTTGCCCAGC[C>T]CAGATCCTGGGGGAGGGCGGAAGATGGCAGCAGGCAGGCGAGGGTGGTGGGTGAGGGCTA-3'
Protein context (NP_005468.1, residues 803-823): AAIFRPPPGS[Gly813Glu]LGNLGAGQTP